The following is an entry in ClinVar:

NM_001358530.2(MOCS1):c.619A>T (p.Ile207Phe)

Gene: MOCS1 (molybdenum cofactor synthesis 1; minus strand). Cytogenetic location: 6p21.2.
Variant type: single nucleotide variant.
Coding change: c.619A>T on transcript NM_001358530.2 (MANE Select); coding-DNA position 619, A replaced by T.
Protein change: p.Ile207Phe; replaces isoleucine 207 with phenylalanine.
Molecular consequence: missense variant. On other transcripts: non-coding transcript variant (1).
Genome position (GRCh38, 1-based): chr6:39,913,800, T>A on the plus strand (A>T on the coding strand, the complement: MOCS1 is on the minus strand). VCF-style: chr6-39913800-T-A. GRCh37 (hg19) VCF-style: chr6-39881544-T-A.
Other names: c.619A>T, p.Ile207Phe (NM_001075098.4, NM_001358529.2, NM_005943.6); c.358A>T, p.Ile120Phe (NM_001358531.2, NM_001358533.2, NM_001358534.2); short protein forms I207F, I120F.
Identifiers: ClinVar variation 1444849 (VCV001444849.5), dbSNP rs772313342, ClinGen allele CA3796224.

ClinVar aggregate classification (germline): Uncertain significance (1 of 4 stars; one submission).

Conditions:
Sulfite oxidase deficiency due to molybdenum cofactor deficiency type A. Also called: Molybdenum cofactor deficiency, complementation group A; Molybdenum Cofactor Deficiency A. Identifiers: Orphanet 308386, Orphanet 833, MedGen C1854988, MONDO:0009643, OMIM 252150.

Allele frequency attached by ClinVar (database versions not stated): gnomAD exomes below 0.00001 and 0.00002; TOPMed below 0.00001; ExAC 0.00002.
gnomAD v4.1: 4 of 1,614,216 alleles (0.00025%); highest among the groups gnomAD compares: East Asian, 0.0045%; no homozygotes.

Submission:

Labcorp Genetics (formerly Invitae), Labcorp
Classification: Uncertain significance for Sulfite oxidase deficiency due to molybdenum cofactor deficiency type A. Last evaluated: 2022-08-23. Review status: criteria provided, single submitter. Criteria: Invitae Variant Classification Sherloc (09022015). Collection method: clinical testing. Allele origin: germline.
Comment: This sequence change replaces isoleucine, which is neutral and non-polar, with phenylalanine, which is neutral and non-polar, at codon 207 of the MOCS1 protein (p.Ile207Phe). This variant is present in population databases (rs772313342, gnomAD 0.02%). This variant has not been reported in the literature in individuals affected with MOCS1-related conditions. ClinVar contains an entry for this variant (Variation ID: 1444849). Algorithms developed to predict the effect of missense changes on protein structure and function are either unavailable or do not agree on the potential impact of this missense change (SIFT: "Deleterious"; PolyPhen-2: "Possibly Damaging"; Align-GVGD: "Class C0"). In summary, the available evidence is currently insufficient to determine the role of this variant in disease. Therefore, it has been classified as a Variant of Uncertain Significance.